The following is an entry in ClinVar:

ClinVar aggregate classification (germline): Uncertain significance (1 of 4 stars; one submission).

gnomAD v4.1: 13 of 1,613,792 alleles (0.00081%); highest among the groups gnomAD compares: African/African-American, 0.004%; no homozygotes.

Submission:

Labcorp Genetics (formerly Invitae), Labcorp
Classification: Uncertain significance. Last evaluated: 2022-05-16. Review status: criteria provided, single submitter. Criteria: Invitae Variant Classification Sherloc (09022015). Collection method: clinical testing. Allele origin: germline.
Comment: This sequence change replaces phenylalanine, which is neutral and non-polar, with leucine, which is neutral and non-polar, at codon 150 of the ARSG protein (p.Phe150Leu). This variant is present in population databases (no rsID available, gnomAD 0.01%). This variant has not been reported in the literature in individuals affected with ARSG-related conditions. Algorithms developed to predict the effect of missense changes on protein structure and function (SIFT, PolyPhen-2, Align-GVGD) all suggest that this variant is likely to be tolerated. In summary, the available evidence is currently insufficient to determine the role of this variant in disease. Therefore, it has been classified as a Variant of Uncertain Significance.

NM_001267727.2(ARSG):c.450C>G (p.Phe150Leu)

Gene: ARSG (arylsulfatase G; plus strand). Cytogenetic location: 17q24.2.
Variant type: single nucleotide variant.
Coding change: c.450C>G on transcript NM_001267727.2 (MANE Select); coding-DNA position 450, C replaced by G.
Protein change: p.Phe150Leu; replaces phenylalanine 150 with leucine.
Molecular consequence: missense variant. On other transcripts: intron variant (1).
Genome position (GRCh38, 1-based): chr17:68,347,168, C>G. VCF-style: chr17-68347168-C-G. GRCh37 (hg19) VCF-style: chr17-66343309-C-G.
Other names: c.450C>G, p.Phe150Leu (NM_001352899.2, NM_001352900.2, NM_001352901.2 and 8 more transcripts); c.406+3377C>G (NM_001352909.2); short protein forms F150L.
Identifiers: ClinVar variation 1503937 (VCV001503937.8), dbSNP rs778599263, ClinGen allele CA293283326.